The following is an entry in ClinVar:

NM_000209.4(PDX1):c.341G>T (p.Arg114Leu)

Gene: PDX1 (pancreatic and duodenal homeobox 1; plus strand). Cytogenetic location: 13q12.2.
Variant type: single nucleotide variant.
Coding change: c.341G>T on transcript NM_000209.4 (MANE Select); coding-DNA position 341, G replaced by T.
Protein change: p.Arg114Leu; replaces arginine 114 with leucine.
Molecular consequence: missense variant.
Genome position (GRCh38, 1-based): chr13:27,920,479, G>T. VCF-style: chr13-27920479-G-T. GRCh37 (hg19) VCF-style: chr13-28494616-G-T.
Other names: short protein forms R114L.
Identifiers: ClinVar variation 3602957 (VCV003602957.3).

ClinVar aggregate classification (germline): Uncertain significance. Review status: criteria provided, multiple submitters, no conflicts (2 of 4 stars). 2 submissions from 2 submitters: Uncertain significance (2). Last evaluated 2024-08-07.

gnomAD v4.1: 240 of 1,610,388 alleles (0.015%); highest among the groups gnomAD compares: Non-Finnish European, 0.02%; no homozygotes.

Submissions (2):

GeneDx
Classification: Uncertain significance. Last evaluated: 2024-08-07. Review status: criteria provided, single submitter. Criteria: GeneDx Variant Classification Process June 2021. Collection method: clinical testing. Allele origin: germline. Affected: yes.
Comment: Listed as a variant identified in a large cohort of patients with dyslipidemia and metabolic disorders; no patient-specific clinical information provided (PMID: 32041611); In silico analysis supports that this missense variant has a deleterious effect on protein structure/function; This variant is associated with the following publications: (PMID: 32041611)

Labcorp Genetics (formerly Invitae), Labcorp
Classification: Uncertain significance. Last evaluated: 2024-06-10. Review status: criteria provided, single submitter. Criteria: Invitae Variant Classification Sherloc (09022015). Collection method: clinical testing. Allele origin: germline.
Comment: This sequence change replaces arginine, which is basic and polar, with leucine, which is neutral and non-polar, at codon 114 of the PDX1 protein (p.Arg114Leu). This variant is present in population databases (rs760443155, gnomAD 0.01%). This missense change has been observed in individual(s) with dyslipidemia (PMID: 32041611). Advanced modeling of protein sequence and biophysical properties (such as structural, functional, and spatial information, amino acid conservation, physicochemical variation, residue mobility, and thermodynamic stability) performed at Invitae indicates that this missense variant is not expected to disrupt PDX1 protein function with a negative predictive value of 80%. In summary, the available evidence is currently insufficient to determine the role of this variant in disease. Therefore, it has been classified as a Variant of Uncertain Significance.

Literature cited by the submitters: PubMed 32041611 (cited by Labcorp Genetics (formerly Invitae), Labcorp).